The following is an entry in ClinVar:

ClinVar aggregate classification (germline): Pathogenic (1 of 4 stars; one submission).

Conditions:
Familial intrahepatic cholestasis. Identifiers: Orphanet 284385, MedGen CN296401, MONDO:0017290.

Submission:

Genomenon, Inc
Classification: Pathogenic for Familial intrahepatic cholestasis. Last evaluated: 2026-04-14. Review status: criteria provided, single submitter. Criteria: Genomenon Sequence Variant Interpretation Standards - Updated. Collection method: curation. Allele origin: germline. Affected: yes.
Comment: ABCB11 p.Gln733Ter (c.2197C>T) is a nonsense variant that introduces a premature stop codon at amino acid position 733, creating a truncated protein that is predicted to undergo nonsense-mediated mRNA decay. This variant has been observed in at least one proband with an ABCB11-related disorder (PMID:27706244). It is absent or not present at a significant frequency in gnomAD. In conclusion, we classify ABCB11 p.Gln733Ter (c.2197C>T) as a pathogenic variant.

Literature cited by the submitters: PubMed 27706244.

NM_003742.4(ABCB11):c.2197C>T (p.Gln733Ter)

Gene: ABCB11 (ATP binding cassette subfamily B member 11; minus strand). Cytogenetic location: 2q31.1.
Variant type: single nucleotide variant.
Coding change: c.2197C>T on transcript NM_003742.4 (MANE Select); coding-DNA position 2197, C replaced by T.
Protein change: p.Gln733Ter; replaces glutamine 733 with a stop codon.
Molecular consequence: nonsense.
Genome position (GRCh38, 1-based): chr2:168,958,110, G>A on the plus strand (C>T on the coding strand, the complement: ABCB11 is on the minus strand). VCF-style: chr2-168958110-G-A. GRCh37 (hg19) VCF-style: chr2-169814620-G-A.
Other names: short protein forms Q733*.
Identifiers: ClinVar variation 4846135 (VCV004846135.1).